The following is an entry in ClinVar:

ClinVar aggregate classification (germline): Pathogenic (1 of 4 stars; one submission).

Conditions:
Nephrotic syndrome, type 2 (NPHS2). Also called: NEPHROTIC SYNDROME, STEROID-RESISTANT, AUTOSOMAL RECESSIVE. Identifiers: Orphanet 656, MedGen C1868672, MONDO:0010974, OMIM 600995.

Submission:

Myriad Genetics, Inc.
Classification: Pathogenic for Nephrotic syndrome, type 2. Last evaluated: 2026-02-15. Review status: criteria provided, single submitter. Criteria: Myriad Autosomal Dominant, Autosomal Recessive and X-Linked Classification Criteria (2023). Collection method: clinical testing. Allele origin: unknown.
Comment: NM_014625.2(NPHS2):c.582C>G(Y194*) is expected to be pathogenic in the context of nephrotic syndrome, NPHS2-related. This variant is predicted to lead to an abnormal or absent protein product due to the creation of a premature termination codon in NPHS2, a gene where loss-of-function variants are known to be pathogenic. Please note: this variant was assessed in the context of healthy population screening.

NM_014625.4(NPHS2):c.582C>G (p.Tyr194Ter)

Gene: NPHS2 (NPHS2 stomatin family member, podocin; minus strand). Cytogenetic location: 1q25.2.
Variant type: single nucleotide variant.
Coding change: c.582C>G on transcript NM_014625.4 (MANE Select); coding-DNA position 582, C replaced by G.
Protein change: p.Tyr194Ter; replaces tyrosine 194 with a stop codon.
Molecular consequence: nonsense. On other transcripts: intron variant (1).
Genome position (GRCh38, 1-based): chr1:179,557,183, G>C on the plus strand (C>G on the coding strand, the complement: NPHS2 is on the minus strand). VCF-style: chr1-179557183-G-C. GRCh37 (hg19) VCF-style: chr1-179526318-G-C.
Other names: c.534+2496C>G (NM_001297575.2); short protein forms Y194*.
Identifiers: ClinVar variation 5015554 (VCV005015554.1).